The following is an entry in ClinVar:

ClinVar aggregate classification (germline): Benign. Review status: criteria provided, single submitter (1 of 4 stars). 2 submissions from 2 submitters: Benign (1). 1 of the submissions does not count toward it. Last evaluated 2024-10-17.

Conditions:
PTPRO-related disorder. Also called: PTPRO-related condition.

Allele frequency attached by ClinVar (database versions not stated): ESP Exome Variant Server 0.00008; 1000 Genomes Project 0.00060; 1000 Genomes Project 30x 0.00062; gnomAD 0.00070; ExAC 0.00104.
gnomAD v4.1: 841 of 1,613,746 alleles (0.052%); highest among the groups gnomAD compares: Non-Finnish European, 0.018%; 9 homozygotes.

Submissions (2):

Labcorp Genetics (formerly Invitae), Labcorp
Classification: Benign. Last evaluated: 2024-10-17. Review status: criteria provided, single submitter. Criteria: Invitae Variant Classification Sherloc (09022015). Collection method: clinical testing. Allele origin: germline.

PreventionGenetics, part of Exact Sciences
Classification: Benign for PTPRO-related condition. Last evaluated: 2019-08-09. Review status: no assertion criteria provided. Collection method: clinical testing. Allele origin: germline. Not counted in ClinVar's aggregate classification.
Comment: This variant is classified as benign based on ACMG/AMP sequence variant interpretation guidelines (Richards et al. 2015 PMID: 25741868, with internal and published modifications).

NM_030667.3(PTPRO):c.2226G>A (p.Leu742=)

Gene: PTPRO (protein tyrosine phosphatase receptor type O; plus strand). Cytogenetic location: 12p12.3.
Variant type: single nucleotide variant.
Coding change: c.2226G>A on transcript NM_030667.3 (MANE Select); coding-DNA position 2226, G replaced by A.
Protein change: p.Leu742=; no amino-acid change (leucine 742 retained).
Molecular consequence: synonymous variant. On other transcripts: 5 prime UTR variant (4).
Genome position (GRCh38, 1-based): chr12:15,546,630, G>A. VCF-style: chr12-15546630-G-A. GRCh37 (hg19) VCF-style: chr12-15699564-G-A.
Other names: c.2226G>A (NM_030667.2); c.2226G>A, p.Leu742= (NM_002848.4); c.-208G>A (NM_030668.3, NM_030669.3, NM_030670.3 and 1 more transcripts).
Identifiers: ClinVar variation 2150654 (VCV002150654.6), dbSNP rs137956150, ClinGen allele CA6466763.